The following is an entry in ClinVar:

ClinVar aggregate classification (germline): Uncertain significance. Review status: criteria provided, multiple submitters, no conflicts (2 of 4 stars). 3 submissions from 3 submitters: Uncertain significance (3). Last evaluated 2025-06-15.

Conditions:
Hereditary cancer-predisposing syndrome. Also called: Hereditary neoplastic syndrome; Tumor predisposition; Hereditary Cancer Syndrome; Neoplastic Syndromes, Hereditary. Identifiers: Orphanet 140162, MedGen C0027672, MeSH D009386, MONDO:0015356.
Tuberous sclerosis 2 (TSC2). Identifiers: Orphanet 805, MedGen C1860707, MONDO:0013199, OMIM 613254.
Tuberous sclerosis syndrome (TSC). Also called: Tuberous Sclerosis Complex; Tuberous sclerosis. Identifiers: Orphanet 805, MedGen C0041341, MONDO:0001734.

gnomAD v4.1: 2 of 1,614,110 alleles (0.00012%); highest among the groups gnomAD compares: South Asian, 0.0011%; no homozygotes.

Submissions (3):

Labcorp Genetics (formerly Invitae), Labcorp
Classification: Uncertain significance for Tuberous sclerosis 2. Last evaluated: 2025-06-15. Review status: criteria provided, single submitter. Criteria: Invitae Variant Classification Sherloc (09022015). Collection method: clinical testing. Allele origin: germline.
Comment: This sequence change replaces leucine, which is neutral and non-polar, with phenylalanine, which is neutral and non-polar, at codon 737 of the TSC2 protein (p.Leu737Phe). This variant is not present in population databases (gnomAD no frequency). This variant has not been reported in the literature in individuals affected with TSC2-related conditions. ClinVar contains an entry for this variant (Variation ID: 581016). Invitae Evidence Modeling of protein sequence and biophysical properties (such as structural, functional, and spatial information, amino acid conservation, physicochemical variation, residue mobility, and thermodynamic stability) has been performed for this missense variant. However, the output from this modeling did not meet the statistical confidence thresholds required to predict the impact of this variant on TSC2 protein function. In summary, the available evidence is currently insufficient to determine the role of this variant in disease. Therefore, it has been classified as a Variant of Uncertain Significance.

Ambry Genetics
Classification: Uncertain significance for Hereditary cancer-predisposing syndrome. Last evaluated: 2023-11-29. Review status: criteria provided, single submitter. Criteria: Ambry Variant Classification Scheme 2023. Collection method: clinical testing. Allele origin: germline.
Comment: The p.L737F variant (also known as c.2209C>T), located in coding exon 19 of the TSC2 gene, results from a C to T substitution at nucleotide position 2209. The leucine at codon 737 is replaced by phenylalanine, an amino acid with highly similar properties. This amino acid position is highly conserved in available vertebrate species. In addition, this alteration is predicted to be deleterious by in silico analysis. Since supporting evidence is limited at this time, the clinical significance of this alteration remains unclear.

All of Us Research Program, National Institutes of Health
Classification: Uncertain significance for Tuberous sclerosis syndrome. Last evaluated: 2023-08-23. Review status: criteria provided, single submitter. Criteria: ACMG Guidelines, 2015. Collection method: clinical testing. Allele origin: germline. Inheritance: Autosomal dominant inheritance. Observed: 1 variant allele, 1 heterozygote.
Comment: This missense variant replaces leucine with phenylalanine at codon 737 of the TSC2 protein. Computational prediction suggests that this variant may have deleterious impact on protein structure and function (internally defined REVEL score threshold >= 0.7, PMID: 27666373). To our knowledge, functional studies have not been reported for this variant. This variant has not been reported in individuals affected with TSC2-related disorders in the literature. This variant has not been identified in the general population by the Genome Aggregation Database (gnomAD). The available evidence is insufficient to determine the role of this variant in disease conclusively. Therefore, this variant is classified as a Variant of Uncertain Significance.

This study involves interpretation of variants in research participants for the purpose of population health screening. Participant phenotype was not available at the time of variant classification. Additional details can be found in publication PMID: 35346344, PMCID: PMC8962531

NM_000548.5(TSC2):c.2209C>T (p.Leu737Phe)

Gene: TSC2 (TSC complex subunit 2; plus strand). Cytogenetic location: 16p13.3.
Variant type: single nucleotide variant.
Coding change: c.2209C>T on transcript NM_000548.5 (MANE Select); coding-DNA position 2209, C replaced by T.
Protein change: p.Leu737Phe; replaces leucine 737 with phenylalanine.
Molecular consequence: missense variant.
Genome position (GRCh38, 1-based): chr16:2,072,352, C>T. VCF-style: chr16-2072352-C-T. GRCh37 (hg19) VCF-style: chr16-2122353-C-T.
Other names: c.2209C>T, p.Leu737Phe (NM_001077183.3, NM_001114382.3, NM_001363528.2 and 3 more transcripts); c.2098C>T, p.Leu700Phe (NM_001318827.2); c.2062C>T, p.Leu688Phe (NM_001318829.2); c.1609C>T, p.Leu537Phe (NM_001318831.2); c.2242C>T, p.Leu748Phe (NM_001318832.2); short protein forms L737F, L537F, L688F, L700F, L748F.
Identifiers: ClinVar variation 581016 (VCV000581016.9), dbSNP rs1485034650, ClinGen allele CA394275122.